The following is an entry in ClinVar:

NM_017617.5(NOTCH1):c.705_707dup (p.Thr236_Gly237insThr)

Gene: NOTCH1 (notch receptor 1; minus strand). Cytogenetic location: 9q34.3.
Variant type: Duplication.
Coding change: c.705_707dup on transcript NM_017617.5 (MANE Select); coding-DNA positions 705 to 707, 3 bases duplicated (CAC; older notation c.705_707dupCAC).
Protein change: p.Thr236_Gly237insThr.
Genome position (GRCh38, 1-based): chr9:136,522,885-136,522,887, GTG duplicated on the plus strand (CAC on the coding strand, the reverse complement: NOTCH1 is on the minus strand); duplicating any 3 consecutive bases within chr9:136,522,885-136,522,888 gives the same sequence; the c. name uses the placement nearest the transcript's 3' end. VCF-style (leftmost placement, unchanged base first): chr9-136522884-C-CGTG. GRCh37 (hg19) VCF-style: chr9-139417336-C-CGTG.
Identifiers: ClinVar variation 3728074 (VCV003728074.2).

ClinVar aggregate classification (germline): Uncertain significance (1 of 4 stars; one submission).

Conditions:
Adams-Oliver syndrome 5 (AOS5). Identifiers: Orphanet 974, MedGen C4014970, MONDO:0014459, OMIM 616028.

Submission:

Labcorp Genetics (formerly Invitae), Labcorp
Classification: Uncertain significance for Adams-Oliver syndrome 5. Last evaluated: 2024-12-25. Review status: criteria provided, single submitter. Criteria: Invitae Variant Classification Sherloc (09022015). Collection method: clinical testing. Allele origin: germline.
Comment: This variant, c.705_707dup, results in the insertion of 1 amino acid(s) of the NOTCH1 protein (p.Thr236dup), but otherwise preserves the integrity of the reading frame. This variant is not present in population databases (gnomAD no frequency). This variant has not been reported in the literature in individuals affected with NOTCH1-related conditions. In summary, the available evidence is currently insufficient to determine the role of this variant in disease. Therefore, it has been classified as a Variant of Uncertain Significance.